The following is an entry in ClinVar:

NM_004304.5(ALK):c.1282+3A>G

Gene: ALK (ALK receptor tyrosine kinase; minus strand). Cytogenetic location: 2p23.2.
Variant type: single nucleotide variant.
Coding change: c.1282+3A>G on transcript NM_004304.5 (MANE Select); 3 bases into the intron after coding-DNA position 1282, A replaced by G.
Molecular consequence: intron variant.
Genome position (GRCh38, 1-based): chr2:29,383,729, T>C on the plus strand (A>G on the coding strand, the complement: ALK is on the minus strand). VCF-style: chr2-29383729-T-C. GRCh37 (hg19) VCF-style: chr2-29606595-T-C.
Other names: c.1282+3A>G (NM_004304.4).
Identifiers: ClinVar variation 2141689 (VCV002141689.5), dbSNP rs1037238736, ClinGen allele CA44939733.

ClinVar aggregate classification (germline): Uncertain significance. Review status: criteria provided, multiple submitters, no conflicts (2 of 4 stars). 2 submissions from 2 submitters: Uncertain significance (2). Last evaluated 2025-08-06.

Conditions:
Hereditary cancer-predisposing syndrome. Also called: Tumor predisposition; Hereditary Cancer Syndrome; Hereditary neoplastic syndrome; Neoplastic Syndromes, Hereditary. Identifiers: Orphanet 140162, MedGen C0027672, MeSH D009386, MONDO:0015356.
Neuroblastoma, susceptibility to, 3. Also called: ALK-Related Neuroblastic Tumor Susceptibility. Identifiers: Orphanet 635, MedGen C2751681, MONDO:0013083, OMIM 613014.

Allele frequency attached by ClinVar (database versions not stated): gnomAD exomes below 0.00001; TOPMed 0.00001.
gnomAD v4.1: 3 of 1,614,032 alleles (0.00019%); highest among the groups gnomAD compares: Non-Finnish European, 0.00017%; no homozygotes.

Submissions (2):

Ambry Genetics
Classification: Uncertain significance for Hereditary cancer-predisposing syndrome. Last evaluated: 2025-08-06. Review status: criteria provided, single submitter. Criteria: Ambry Variant Classification Scheme 2023. Collection method: clinical testing. Allele origin: germline.
Comment: The c.1282+3A>G intronic variant results from an A to G substitution 3 nucleotides after coding exon 5 in the ALK gene. This nucleotide position is highly conserved in available vertebrate species. In silico splice site analysis predicts that this alteration may weaken the native splice donor site. Based on the available evidence, the clinical significance of this variant remains unclear.

Labcorp Genetics (formerly Invitae), Labcorp
Classification: Uncertain significance for Neuroblastoma, susceptibility to, 3. Last evaluated: 2025-01-02. Review status: criteria provided, single submitter. Criteria: Invitae Variant Classification Sherloc (09022015). Collection method: clinical testing. Allele origin: germline.
Comment: This sequence change falls in intron 5 of the ALK gene. It does not directly change the encoded amino acid sequence of the ALK protein. It affects a nucleotide within the consensus splice site. This variant is not present in population databases (gnomAD no frequency). This variant has not been reported in the literature in individuals affected with ALK-related conditions. ClinVar contains an entry for this variant (Variation ID: 2141689). Variants that disrupt the consensus splice site are a relatively common cause of aberrant splicing (PMID: 17576681, 9536098). Algorithms developed to predict the effect of sequence changes on RNA splicing suggest that this variant may disrupt the consensus splice site. In summary, the available evidence is currently insufficient to determine the role of this variant in disease. Therefore, it has been classified as a Variant of Uncertain Significance.

Literature cited by the submitters: PubMed 17576681 (cited by Labcorp Genetics (formerly Invitae), Labcorp); PubMed 9536098 (cited by Labcorp Genetics (formerly Invitae), Labcorp).